The following is an entry in ClinVar:

ClinVar aggregate classification (germline): Uncertain significance. Review status: criteria provided, multiple submitters, no conflicts (2 of 4 stars). 4 submissions from 4 submitters: Uncertain significance (4). Last evaluated 2026-05-01.

Conditions:
Deficiency of steroid 11-beta-monooxygenase (CYP11B1). Also called: P450C11B1 DEFICIENCY; STEROID 11-BETA-HYDROXYLASE DEFICIENCY; Congenital adrenal hyperplasia due to 11-beta-hydroxylase deficiency; ADRENAL HYPERPLASIA, CONGENITAL, DUE TO STEROID 11-BETA-HYDROXYLASE DEFICIENCY; 11-BETA-HYDROXYLASE DEFICIENCY; ADRENAL HYPERPLASIA IV. Identifiers: Orphanet 90795, MedGen C0268292, MONDO:0008729, OMIM 202010. Disease mechanism: loss of function.
Glucocorticoid-remediable aldosteronism. Also called: ACTH-DEPENDENT HYPERALDOSTERONISM SYNDROME; ALDOSTERONISM, SENSITIVE TO DEXAMETHASONE; FH I; GLUCOCORTICOID-SUPPRESSIBLE HYPERALDOSTERONISM; Hyperaldosteronism, familial, type I. Identifiers: Orphanet 403, MedGen C3838731, MONDO:0007080, OMIM 103900.

Allele frequency attached by ClinVar (database versions not stated): ExAC 0.00006; gnomAD 0.00001 and below 0.00001; TOPMed below 0.00001; gnomAD exomes 0.00002 and 0.00004.
gnomAD v4.1: 37 of 1,614,142 alleles (0.0023%); highest among the groups gnomAD compares: South Asian, 0.04%; no homozygotes.

Submissions (4):

Women's Health and Genetics/Laboratory Corporation of America, LabCorp
Classification: Uncertain significance. Last evaluated: 2026-05-01. Review status: criteria provided, single submitter. Criteria: LabCorp Variant Classification Summary - May 2015. Collection method: clinical testing. Allele origin: germline.
Comment: Variant summary: CYP11B1 c.1280G>A (p.Arg427His) results in a non-conservative amino acid change in the encoded protein sequence. Algorithms developed to predict the effect of missense changes on protein structure and function all suggest that this variant is likely to be disruptive. The variant allele was found at a frequency of 4.4e-05 in 251488 control chromosomes (gnomAD). This frequency is not significantly higher than estimated for disease-causing variants in CYP11B1, allowing no conclusion about variant significance. c.1280G>A has been reported in the literature in at least one homozygous individual affected with Congenital Adrenal Hyperplasia (Abbaszadegan_2013). These data indicate that the variant may be associated with disease. To our knowledge, no experimental evidence demonstrating an impact on protein function has been reported. The following publications have been ascertained in the context of this evaluation (PMID: 23345044, 8004113, 8964882). ClinVar contains an entry for this variant (Variation ID: 555197). Based on the evidence outlined above, the variant was classified as VUS-possibly pathogenic.

Clinical Genetics Laboratory, Skane University Hospital Lund
Classification: Uncertain significance. Last evaluated: 2022-11-14. Review status: criteria provided, single submitter. Criteria: ACMG Guidelines, 2015. Collection method: clinical testing. Allele origin: germline. Affected: yes.

Fulgent Genetics
Classification: Uncertain significance for Glucocorticoid-remediable aldosteronism; Deficiency of steroid 11-beta-monooxygenase. Last evaluated: 2022-05-17. Review status: criteria provided, single submitter. Criteria: ACMG Guidelines, 2015. Collection method: clinical testing. Allele origin: unknown.

Myriad Genetics, Inc.
Classification: Uncertain significance for Deficiency of steroid 11-beta-monooxygenase. Last evaluated: 2021-11-16. Review status: criteria provided, single submitter. Criteria: Myriad Women's Health Autosomal Recessive and X-Linked Classification Criteria (2021). Collection method: clinical testing. Allele origin: unknown.
Comment: NM_000497.3(CYP11B1):c.1280G>A(R427H) is a missense variant classified as a variant of uncertain significance in the context of congenital adrenal hyperplasia, CYP11B1-related. R427H has been observed in cases with relevant disease (PMID: 23345044, 8964882). Functional assessments of this variant are not available in the literature. Internal structural analysis of the variant is supportive of pathogenicity. R427H has been observed in population frequency databases (gnomAD: SAS 0.04%). In summary, there is insufficient evidence to classify NM_000497.3(CYP11B1):c.1280G>A(R427H) as pathogenic or benign. Please note: this variant was assessed in the context of healthy population screening.

Literature cited by the submitters: PubMed 8004113 (cited by Women's Health and Genetics/Laboratory Corporation of America, LabCorp); PubMed 8964882 (cited by Women's Health and Genetics/Laboratory Corporation of America, LabCorp and Myriad Genetics, Inc.); PubMed 23345044 (cited by Women's Health and Genetics/Laboratory Corporation of America, LabCorp and Myriad Genetics, Inc.).

NM_000497.4(CYP11B1):c.1280G>A (p.Arg427His)

Genes: CYP11B1 (cytochrome P450 family 11 subfamily B member 1; minus strand), LOC106799833 (CYP11B1 recombination region; plus strand). Cytogenetic location: 8q24.3.
Variant type: single nucleotide variant.
Coding change: c.1280G>A on transcript NM_000497.4 (MANE Select); coding-DNA position 1280, G replaced by A.
Protein change: p.Arg427His; replaces arginine 427 with histidine.
Molecular consequence: missense variant. On other transcripts: intron variant (1).
Genome position (GRCh38, 1-based): chr8:142,875,075, C>T on the plus strand (G>A on the coding strand, the complement: CYP11B1 is on the minus strand). VCF-style: chr8-142875075-C-T. GRCh37 (hg19) VCF-style: chr8-143956491-C-T.
Other names: c.1200+159G>A (NM_001026213.1); short protein forms R427H.
Identifiers: ClinVar variation 555197 (VCV000555197.8), dbSNP rs754432887, ClinGen allele CA4905034.
Genomic context (GRCh38, chr8:142,875,075, plus strand): 5'-ATGCCAAAGCCAAAGGGCACGTGGTAGAAGTTCCTGCCGGAGCCCCTGATGTCTAGCCAG[C>T]GCTGGGGGTTATAGCGCTCAGGCCTCGGGAACAAGGCGGGGTTGCGACCCAGAGAGTAGA-3'
Protein context (NP_000488.3, residues 417-437): FPRPERYNPQ[Arg427His]WLDIRGSGRN